The following continues an entry in ClinVar:

NM_007294.4(BRCA1):c.4964_4982del (p.Ser1655fs)

Gene: BRCA1. ClinVar aggregate classification (germline): Pathogenic. Pathogenic (1).

Submissions 19 to 30 of 30:

Human Genome Sequencing Center Clinical Lab, Baylor College of Medicine
Classification: Pathogenic for Breast-ovarian cancer, familial, susceptibility to, 1. Last evaluated: 2017-05-25. Review status: criteria provided, single submitter. Criteria: ACMG Guidelines, 2015. Collection method: clinical testing. Allele origin: germline. Not counted in ClinVar's aggregate classification.
Comment: The c.4964_4982del (p.Ser1655Tyrfs*16) variant in the BRCA1 gene has been detected multiple patients with breast cancer and/or ovarian cancer [PMID 9145677, 11462242 referred as 5083del19 in some publications]. This variant is considered a founder mutation in Southern Italy [PMID 11462242]. This 19 bp deletion in exon 15 results in a frameshift and the creation of a premature stop codon. This variant is thus predicted to result in a loss of function of the protein. This variant has not been detected in the ExAC database . This variant thus classified as pathogenic.

Cancer Genetics and Genomics Laboratory, British Columbia Cancer Agency
Classification: Pathogenic for Hereditary breast ovarian cancer syndrome. Last evaluated: 2017-04-18. Review status: criteria provided, single submitter. Criteria: ACMG Guidelines, 2015. Collection method: clinical testing. Allele origin: germline. Study: The Canadian Open Genetics Repository (COGR). Not counted in ClinVar's aggregate classification.

Baylor Genetics
Classification: Pathogenic for Familial cancer of breast. Last evaluated: 2017-02-23. Review status: criteria provided, single submitter. Criteria: ACMG Guidelines, 2015. Collection method: clinical testing. Allele origin: germline. Inheritance: Autosomal dominant inheritance. Affected: yes. Observed: 1 variant allele. Not counted in ClinVar's aggregate classification.

Consortium of Investigators of Modifiers of BRCA1/2 (CIMBA), c/o University of Cambridge
Classification: Pathogenic for Breast-ovarian cancer, familial, susceptibility to, 1. Last evaluated: 2015-10-02. Review status: criteria provided, single submitter. Criteria: CIMBA Mutation Classification guidelines May 2016. Collection method: clinical testing. Allele origin: germline. Not counted in ClinVar's aggregate classification.

Genesis Genomics
Classification: Pathogenic for Breast-ovarian cancer, familial, susceptibility to, 1. Review status: criteria provided, single submitter. Criteria: ACMG Guidelines, 2015. Collection method: clinical testing. Allele origin: germline. Affected: yes. Observed: 1 variant allele. Not counted in ClinVar's aggregate classification.

German Consortium for Hereditary Breast and Ovarian Cancer, University Hospital Cologne
Classification: Pathogenic for Ovarian neoplasm. Last evaluated: 2018-12-01. Review status: no assertion criteria provided. Collection method: research. Allele origin: germline. Affected: yes. Not counted in ClinVar's aggregate classification.

Counsyl
Classification: Pathogenic for Breast-ovarian cancer, familial, susceptibility to, 1. Last evaluated: 2016-02-19. Review status: no assertion criteria provided. Collection method: clinical testing. Allele origin: unknown. Not counted in ClinVar's aggregate classification.

Research Molecular Genetics Laboratory, Women's College Hospital, University of Toronto
Classification: Pathogenic for Hereditary breast ovarian cancer syndrome. Last evaluated: 2014-01-31. Review status: no assertion criteria provided. Collection method: research. Allele origin: germline. Affected: yes. Study: The Canadian Open Genetics Repository (COGR). Not counted in ClinVar's aggregate classification.

Sharing Clinical Reports Project (SCRP)
Classification: Pathogenic for Breast-ovarian cancer, familial 1. Last evaluated: 2013-05-16. Review status: no assertion criteria provided. Collection method: clinical testing. Allele origin: germline. Not counted in ClinVar's aggregate classification.

Foulkes Cancer Genetics LDI, Lady Davis Institute for Medical Research
Classification: Pathogenic for Breast and/or ovarian cancer. Last evaluated: 2012-11-26. Review status: no assertion criteria provided. Collection method: clinical testing. Allele origin: germline. Study: The Canadian Open Genetics Repository (COGR). Not counted in ClinVar's aggregate classification.

Breast Cancer Information Core (BIC) (BRCA1)
Classification: Pathogenic for Breast-ovarian cancer, familial 1. Last evaluated: 2002-05-29. Review status: no assertion criteria provided. Collection method: clinical testing. Allele origin: germline, unknown. Affected: yes. Observed: 49 variant alleles. Not counted in ClinVar's aggregate classification.

Department of Pathology and Laboratory Medicine, Sinai Health System
Classification: Pathogenic for Malignant tumor of breast. Review status: no assertion criteria provided. Collection method: clinical testing. Allele origin: unknown. Affected: yes. Study: The Canadian Open Genetics Repository (COGR). Not counted in ClinVar's aggregate classification.
Comment: The p.Ser1655TyrfsX16 variant has been identified in 5 of 574 proband chromosomes (frequency 0.009) in individuals with breast and ovarian cancer (Couch 1997, Baudi 2001). In addition, this variant is identified in the BIC database 46 times and indicated as a clinically important variant and in the UMD database 7 times as "causal". The p.Ser1655Tyrfsx16 variant is predicted to cause a frameshift, which alters the protein's amino acid sequence beginning at codon 1655 and leads to a premature stop codon 16 codons downstream. This alteration is then predicted to lead to a truncated or absent protein and loss of function. Loss of function of the BRCA1 gene is an established disease mechanism in familial breast and ovarian cancer syndromes. In summary, based on the information above, this variant is classified as pathogenic.

Literature cited by the submitters: PubMed 20104584 (cited by Labcorp Genetics (formerly Invitae), Labcorp); PubMed 9145677 (cited by 7 submitters); PubMed 11462242 (cited by 7 submitters); PubMed 11938448 (cited by 5 submitters); PubMed 16847550 (cited by 5 submitters); PubMed 17221156 (cited by 5 submitters); PubMed 18159056 (cited by 4 submitters); PubMed 23199084 (cited by 3 submitters); PubMed 26219728 (cited by 6 submitters); PubMed 26681312 (cited by 7 submitters); PubMed 18228134 (cited by 3 submitters); PubMed 18980973 (cited by 5 submitters); PubMed 24618965 (cited by Ambry Genetics and Counsyl); PubMed 28947987 (cited by Ambry Genetics); PubMed 22711857 (cited by 6 submitters); PubMed 30736435 (cited by 3 submitters); PubMed 32854451 (cited by 4 submitters); PubMed 29446198 (cited by 4 submitters); PubMed 36329109 (cited by 3 submitters); PubMed 26295337 (cited by Quest Diagnostics Nichols Institute San Juan Capistrano); PubMed 27067391 (cited by Dasa and Women's Health and Genetics/Laboratory Corporation of America, LabCorp); PubMed 21702907 (cited by Dasa and Women's Health and Genetics/Laboratory Corporation of America, LabCorp); PubMed 25036526 (cited by Women's Health and Genetics/Laboratory Corporation of America, LabCorp); PubMed 15383404 (cited by Breast Cancer Information Core (BIC) (BRCA1)).